The following is an entry in ClinVar:

ClinVar aggregate classification (germline): Uncertain significance (1 of 4 stars; one submission).

Conditions:
Developmental and epileptic encephalopathy, 46 (DEE46). Also called: GRIN2D-Related Developmental and Epileptic Encephalopathy; Epileptic encephalopathy, early infantile, 46. Identifiers: MedGen C4310687, MONDO:0014947, OMIM 617162.

Allele frequency attached by ClinVar (database versions not stated): gnomAD exomes below 0.00001.
gnomAD v4.1: 1 of 1,603,822 alleles (0.000062%); highest among the groups gnomAD compares: Non-Finnish European, 0.000085%; no homozygotes.

Submission:

MGZ Medical Genetics Center
Classification: Uncertain significance for Developmental and epileptic encephalopathy, 46. Last evaluated: 2022-05-04. Review status: criteria provided, single submitter. Criteria: ACMG Guidelines, 2015. Collection method: clinical testing. Allele origin: germline. Affected: yes. Observed: 1 variant allele.
Comment: ACMG criteria applied: PM2_SUP, PP2, BP4

NM_000836.4(GRIN2D):c.1556G>A (p.Gly519Asp)

Gene: GRIN2D (glutamate ionotropic receptor NMDA type subunit 2D; plus strand). Cytogenetic location: 19q13.33.
Variant type: single nucleotide variant.
Coding change: c.1556G>A on transcript NM_000836.4 (MANE Select); coding-DNA position 1556, G replaced by A.
Protein change: p.Gly519Asp; replaces glycine 519 with aspartic acid.
Molecular consequence: missense variant.
Genome position (GRCh38, 1-based): chr19:48,415,007, G>A. VCF-style: chr19-48415007-G-A. GRCh37 (hg19) VCF-style: chr19-48918264-G-A.
Other names: short protein forms G519D.
Identifiers: ClinVar variation 1709359 (VCV001709359.2), dbSNP rs2513671899, ClinGen allele CA406695863.